The following is an entry in ClinVar:

NM_006514.4(SCN10A):c.4253T>C (p.Ile1418Thr)

Gene: SCN10A (sodium voltage-gated channel alpha subunit 10; minus strand). Cytogenetic location: 3p22.2.
Variant type: single nucleotide variant.
Coding change: c.4253T>C on transcript NM_006514.4 (MANE Select); coding-DNA position 4253, T replaced by C.
Protein change: p.Ile1418Thr; replaces isoleucine 1418 with threonine.
Molecular consequence: missense variant.
Genome position (GRCh38, 1-based): chr3:38,709,506, A>G on the plus strand (T>C on the coding strand, the complement: SCN10A is on the minus strand). VCF-style: chr3-38709506-A-G. GRCh37 (hg19) VCF-style: chr3-38750997-A-G.
Other names: c.4250T>C, p.Ile1417Thr (NM_001293306.2); c.3959T>C, p.Ile1320Thr (NM_001293307.2); short protein forms I1418T, I1320T, I1417T.
Identifiers: ClinVar variation 4614876 (VCV004614876.1).

ClinVar aggregate classification (germline): Uncertain significance (1 of 4 stars; one submission).

Conditions:
Cardiovascular phenotype. Identifiers: MedGen CN230736.

gnomAD v4.1: 5 of 1,612,294 alleles (0.00031%); highest among the groups gnomAD compares: East Asian, 0.0022%; no homozygotes.

Submission:

Ambry Genetics
Classification: Uncertain significance for Cardiovascular phenotype. Last evaluated: 2025-10-23. Review status: criteria provided, single submitter. Criteria: Ambry Variant Classification Scheme 2023. Collection method: clinical testing. Allele origin: germline.
Comment: The p.I1418T variant (also known as c.4253T>C), located in coding exon 24 of the SCN10A gene, results from a T to C substitution at nucleotide position 4253. The isoleucine at codon 1418 is replaced by threonine, an amino acid with similar properties. This amino acid position is conserved. In addition, this alteration is predicted to be deleterious by in silico analysis. Based on the available evidence, the clinical significance of this variant remains unclear.